The following is an entry in ClinVar:

ClinVar aggregate classification (germline): Uncertain significance (1 of 4 stars; one submission).

Conditions:
Cardiovascular phenotype. Identifiers: MedGen CN230736.

Allele frequency attached by ClinVar (database versions not stated): gnomAD 0.00001; ExAC 0.00002.
gnomAD v4.1: 4 of 1,613,780 alleles (0.00025%); highest among the groups gnomAD compares: Admixed American, 0.0017%; no homozygotes.

Submission:

Ambry Genetics
Classification: Uncertain significance for Cardiovascular phenotype. Last evaluated: 2023-11-02. Review status: criteria provided, single submitter. Criteria: Ambry Variant Classification Scheme 2023. Collection method: clinical testing. Allele origin: germline.
Comment: The p.G3095E variant (also known as c.9284G>A), located in coding exon 26 of the TNXB gene, results from a G to A substitution at nucleotide position 9284. The glycine at codon 3095 is replaced by glutamic acid, an amino acid with similar properties. This amino acid position is conserved. In addition, this alteration is predicted to be tolerated by in silico analysis. Since supporting evidence is limited at this time, the clinical significance of this alteration remains unclear.

NM_001365276.2(TNXB):c.9290G>A (p.Gly3097Glu)

Gene: TNXB (tenascin XB; minus strand). Cytogenetic location: 6p21.33.
Variant type: single nucleotide variant.
Coding change: c.9290G>A on transcript NM_001365276.2 (MANE Select); coding-DNA position 9290, G replaced by A.
Protein change: p.Gly3097Glu; replaces glycine 3097 with glutamic acid.
Molecular consequence: missense variant.
Genome position (GRCh38, 1-based): chr6:32,050,147, C>T on the plus strand (G>A on the coding strand, the complement: TNXB is on the minus strand). VCF-style: chr6-32050147-C-T. GRCh37 (hg19) VCF-style: chr6-32017924-C-T.
Other names: c.10031G>A, p.Gly3344Glu (NM_001428335.1); c.9284G>A, p.Gly3095Glu (NM_019105.8); short protein forms G3095E, G3097E, G3344E.
Identifiers: ClinVar variation 3227355 (VCV003227355.1), dbSNP rs779513176, ClinGen allele CA3733576.